The following is an entry in ClinVar:

NM_030962.4(SBF2):c.280-193G>A

Gene: SBF2 (SET binding factor 2; minus strand). Cytogenetic location: 11p15.4.
Variant type: single nucleotide variant.
Coding change: c.280-193G>A on transcript NM_030962.4 (MANE Select); 193 bases into the intron before coding-DNA position 280, G replaced by A.
Molecular consequence: intron variant.
Genome position (GRCh38, 1-based): chr11:10,031,363, C>T on the plus strand (G>A on the coding strand, the complement: SBF2 is on the minus strand). VCF-style: chr11-10031363-C-T. GRCh37 (hg19) VCF-style: chr11-10052910-C-T.
Other names: c.280-193G>A (NM_001386342.1, NM_001386339.1).
Identifiers: ClinVar variation 678743 (VCV000678743.1), dbSNP rs141773803, ClinGen allele CA217679163.

ClinVar aggregate classification (germline): Likely benign (1 of 4 stars; one submission).

Allele frequency attached by ClinVar (database versions not stated): 1000 Genomes Project 0.00839; 1000 Genomes Project 30x 0.00921; gnomAD 0.01226 and 0.01339; TOPMed 0.01440.
gnomAD v4.1: 1,843 of 152,092 alleles (1.2%); highest among the groups gnomAD compares: African/African-American, 4.3%; 43 homozygotes.

Submission:

GeneDx
Classification: Likely benign. Last evaluated: 2018-06-16. Review status: criteria provided, single submitter. Criteria: GeneDx Variant Classification (06012015). Collection method: clinical testing. Allele origin: germline. Affected: yes.
Comment: This variant is considered likely benign or benign based on one or more of the following criteria: it is a conservative change, it occurs at a poorly conserved position in the protein, it is predicted to be benign by multiple in silico algorithms, and/or has population frequency not consistent with disease.